The following is an entry in ClinVar:

NM_005188.4(CBL):c.1166A>C (p.Lys389Thr)

Gene: CBL (Cbl proto-oncogene; plus strand). Cytogenetic location: 11q23.3.
Variant type: single nucleotide variant.
Coding change: c.1166A>C on transcript NM_005188.4 (MANE Select); coding-DNA position 1166, A replaced by C.
Protein change: p.Lys389Thr; replaces lysine 389 with threonine.
Molecular consequence: missense variant.
Genome position (GRCh38, 1-based): chr11:119,278,236, A>C. VCF-style: chr11-119278236-A-C. GRCh37 (hg19) VCF-style: chr11-119148946-A-C.
Other names: short protein forms K389T.
Identifiers: ClinVar variation 985899 (VCV000985899.11), dbSNP rs1949904868, ClinGen allele CA382912636.

ClinVar aggregate classification (germline): Pathogenic/Likely pathogenic. Review status: criteria provided, multiple submitters, no conflicts (2 of 4 stars). 2 submissions from 2 submitters: Pathogenic (1); Likely pathogenic (1). Last evaluated 2024-05-07.

Conditions:
Inborn genetic diseases. Identifiers: MedGen C0950123, MeSH D030342.

gnomAD v4.1: 1 of 1,613,102 alleles (0.000062%); highest among the groups gnomAD compares: Non-Finnish European, 0.000085%; no homozygotes.

Submissions (2):

GeneDx
Classification: Pathogenic. Last evaluated: 2024-05-07. Review status: criteria provided, single submitter. Criteria: GeneDx Variant Classification Process June 2021. Collection method: clinical testing. Allele origin: germline. Affected: yes.
Comment: Not observed at significant frequency in large population cohorts (gnomAD); In silico analysis supports that this missense variant has a deleterious effect on protein structure/function; Has not been previously published as pathogenic or benign to our knowledge; This variant is associated with the following publications: (PMID: 20619386, 22315494)

Ambry Genetics
Classification: Likely pathogenic for Inborn genetic diseases. Last evaluated: 2017-02-02. Review status: criteria provided, single submitter. Criteria: Ambry exome assertion method (8-5-2015). Collection method: clinical testing. Allele origin: germline. Affected: yes. Observed: 1 variant allele.